The following is an entry in ClinVar:

NM_000260.4(MYO7A):c.133-18_133-17insTCCCCGCAGT

Gene: MYO7A (myosin VIIA; plus strand). Cytogenetic location: 11q13.5.
Variant type: Insertion.
Coding change: c.133-18_133-17insTCCCCGCAGT on transcript NM_000260.4 (MANE Select); 18 bases into the intron before coding-DNA position 133 through 17 bases into the intron before coding-DNA position 133, TCCCCGCAGT inserted.
Molecular consequence: intron variant.
Genome position: GRCh38 VCF-style: chr11-77147780-C-CTCCCCGCAGT. GRCh37 (hg19) VCF-style: chr11-76858826-C-CTCCCCGCAGT.
Other names: c.100-18_100-17insTCCCCGCAGT (NM_001369365.1); c.133-18_133-17insTCCCCGCAGT (NM_001127180.2).
Identifiers: ClinVar variation 1427118 (VCV001427118.6), dbSNP rs782393221, ClinGen allele CA6197047.

ClinVar aggregate classification (germline): Uncertain significance (1 of 4 stars; one submission).

Allele frequency attached by ClinVar (database versions not stated): ExAC 0.00001; gnomAD exomes 0.00001; gnomAD 0.00003; TOPMed 0.00005.

Submission:

Labcorp Genetics (formerly Invitae), Labcorp
Classification: Uncertain significance. Last evaluated: 2026-01-22. Review status: criteria provided, single submitter. Criteria: Invitae Variant Classification Sherloc (09022015). Collection method: clinical testing. Allele origin: germline.
Comment: This sequence change falls in intron 3 of the MYO7A gene. It does not directly change the encoded amino acid sequence of the MYO7A protein. This variant is present in population databases (rs782393221, gnomAD 0.002%). This variant has not been reported in the literature in individuals affected with MYO7A-related conditions. ClinVar contains an entry for this variant (Variation ID: 1427118). Algorithms developed to predict the effect of sequence changes on RNA splicing suggest that this variant may disrupt the consensus splice site. In summary, the available evidence is currently insufficient to determine the role of this variant in disease. Therefore, it has been classified as a Variant of Uncertain Significance.